The following is an entry in ClinVar:

ClinVar aggregate classification (germline): Uncertain significance (1 of 4 stars; one submission).

Conditions:
Early-infantile DEE. Also called: Early infantile epileptic encephalopathy; Ohtahara syndrome; Early infantile epileptic encephalopathy with suppression bursts. Identifiers: Orphanet 1934, MedGen C0393706, MONDO:0800491.

Submission:

Labcorp Genetics (formerly Invitae), Labcorp
Classification: Uncertain significance for Early-infantile DEE. Last evaluated: 2019-06-19. Review status: criteria provided, single submitter. Criteria: Invitae Variant Classification Sherloc (09022015). Collection method: clinical testing. Allele origin: germline.
Comment: This sequence change replaces isoleucine with threonine at codon 1344 of the SCN1A protein (p.Ile1344Thr). The isoleucine residue is highly conserved and there is a moderate physicochemical difference between isoleucine and threonine. This variant is not present in population databases (ExAC no frequency). This variant has not been reported in the literature in individuals with SCN1A-related conditions. Algorithms developed to predict the effect of missense changes on protein structure and function (SIFT, PolyPhen-2, Align-GVGD) all suggest that this variant is likely to be disruptive, but these predictions have not been confirmed by published functional studies and their clinical significance is uncertain. In summary, the available evidence is currently insufficient to determine the role of this variant in disease. Therefore, it has been classified as a Variant of Uncertain Significance.

NM_001165963.4(SCN1A):c.4031T>C (p.Ile1344Thr)

Genes: SCN1A (sodium voltage-gated channel alpha subunit 1; minus strand), LOC102724058 (uncharacterized LOC102724058; plus strand). Cytogenetic location: 2q24.3.
Variant type: single nucleotide variant.
Coding change: c.4031T>C on transcript NM_001165963.4 (MANE Select); coding-DNA position 4031, T replaced by C.
Protein change: p.Ile1344Thr; replaces isoleucine 1344 with threonine.
Molecular consequence: missense variant. On other transcripts: non-coding transcript variant (1).
Genome position (GRCh38, 1-based): chr2:166,002,725, A>G on the plus strand (T>C on the coding strand, the complement: SCN1A is on the minus strand). VCF-style: chr2-166002725-A-G. GRCh37 (hg19) VCF-style: chr2-166859235-A-G.
Other names: c.3947T>C, p.Ile1316Thr (NM_001165964.3, NM_001353957.2, NM_001353958.2); c.4031T>C, p.Ile1344Thr (NM_001202435.3, NM_001353948.2); c.3998T>C, p.Ile1333Thr (NM_001353949.2, NM_001353950.2, NM_001353951.2 and 2 more transcripts); c.3995T>C, p.Ile1332Thr (NM_001353954.2, NM_001353955.2); c.3944T>C, p.Ile1315Thr (NM_001353960.2); c.1589T>C, p.Ile530Thr (NM_001353961.2); short protein forms I1315T, I1316T, I1332T, I1344T, I1333T, I530T.
Identifiers: ClinVar variation 940808 (VCV000940808.10), dbSNP rs1691087838, ClinGen allele CA349050767.
Genomic context (GRCh38, chr2:166,002,725, plus strand): 5'-ATGATGCTGAAAATTAGCCAGAATATAAGACAAACCAGAAGCACATTCATGATGGATGGA[A>G]TTGCTCCTAAAAGGGCATTCACAACCACCTAATACACAAATGGAAAAAAAGAAAAGTCAG-3'
Protein context (NP_001159435.1, residues 1334-1354): RVVVNALLGA[Ile1344Thr]PSIMNVLLVC